The following is an entry in ClinVar:

ClinVar aggregate classification (germline): Pathogenic (1 of 4 stars; one submission).

Conditions:
Neurofibromatosis, type 1 (NF1). Also called: NEUROFIBROMATOSIS, TYPE I, SOMATIC; VON RECKLINGHAUSEN DISEASE; Peripheral type neurofibromatosis; Neurofibromatosis, type I. Identifiers: Orphanet 636, MedGen C0027831, MONDO:0018975, OMIM 162200. Disease mechanism: loss of function.

Submission:

Labcorp Genetics (formerly Invitae), Labcorp
Classification: Pathogenic for Neurofibromatosis, type 1. Last evaluated: 2025-08-24. Review status: criteria provided, single submitter. Criteria: Invitae Variant Classification Sherloc (09022015). Collection method: clinical testing. Allele origin: germline.
Comment: This sequence change creates a premature translational stop signal (p.Leu2572*) in the NF1 gene. It is expected to result in an absent or disrupted protein product. Loss-of-function variants in NF1 are known to be pathogenic (PMID: 10712197, 23913538). This variant is not present in population databases (gnomAD no frequency). This variant has not been reported in the literature in individuals affected with NF1-related conditions. For these reasons, this variant has been classified as Pathogenic.

Literature cited by the submitters: PubMed 10712197; PubMed 23913538.

NM_001042492.3(NF1):c.7778T>G (p.Leu2593Ter)

Gene: NF1 (neurofibromin 1; plus strand). Cytogenetic location: 17q11.2.
Variant type: single nucleotide variant.
Coding change: c.7778T>G on transcript NM_001042492.3 (MANE Select); coding-DNA position 7778, T replaced by G.
Protein change: p.Leu2593Ter; replaces leucine 2593 with a stop codon.
Molecular consequence: nonsense.
Genome position (GRCh38, 1-based): chr17:31,356,999, T>G. VCF-style: chr17-31356999-T-G. GRCh37 (hg19) VCF-style: chr17-29684017-T-G.
Other names: c.7715T>G, p.Leu2572Ter (NM_000267.4); short protein forms L2572*, L2593*.
Identifiers: ClinVar variation 4725924 (VCV004725924.1).